The following is an entry in ClinVar:

ClinVar aggregate classification (germline): Benign/Likely benign. Review status: criteria provided, multiple submitters, no conflicts (2 of 4 stars). 4 submissions from 4 submitters: Benign (3); Likely benign (1). Last evaluated 2025-07-03.

Conditions:
Amyotrophic neuralgia (HNA). Also called: AMYOTROPHY, HEREDITARY NEURALGIC, WITH PREDILECTION FOR BRACHIAL PLEXUS; AMYOTROPHY, HEREDITARY NEURALGIC; Hereditary Brachial Plexus Neuropathy; Neuritis with Brachial Predilection. Identifiers: Orphanet 2901, MedGen C1834304, MONDO:0008076, OMIM 162100.

Allele frequency attached by ClinVar (database versions not stated): gnomAD 0.00016 and 0.00017; TOPMed 0.00021; 1000 Genomes Project 30x 0.00047; 1000 Genomes Project 0.00060.
gnomAD v4.1: 121 of 1,613,356 alleles (0.0075%); highest among the groups gnomAD compares: East Asian, 0.18%; no homozygotes.

Submissions (4):

Labcorp Genetics (formerly Invitae), Labcorp
Classification: Benign. Last evaluated: 2025-07-03. Review status: criteria provided, single submitter. Criteria: Invitae Variant Classification Sherloc (09022015). Collection method: clinical testing. Allele origin: germline.

Blueprint Genetics
Classification: Likely benign. Last evaluated: 2024-10-11. Review status: criteria provided, single submitter. Criteria: ACMG Guidelines, 2015. Collection method: clinical testing. Allele origin: germline.

Genome-Nilou Lab
Classification: Benign for Amyotrophic neuralgia. Last evaluated: 2021-12-05. Review status: criteria provided, single submitter. Criteria: ACMG Guidelines, 2015. Collection method: clinical testing. Allele origin: germline. Affected: no.

Illumina Laboratory Services, Illumina
Classification: Benign for Amyotrophy, hereditary neuralgic. Last evaluated: 2018-01-13. Review status: criteria provided, single submitter. Criteria: ICSL Variant Classification Criteria 13 December 2019. Collection method: clinical testing. Allele origin: germline.
Comment: This variant was observed in the ICSL laboratory as part of a predisposition screen in an ostensibly healthy population. It had not been previously curated by ICSL or reported in the Human Gene Mutation Database (HGMD: prior to June 1st, 2018), and was therefore a candidate for classification through an automated scoring system. Utilizing variant allele frequency, disease prevalence and penetrance estimates, and inheritance mode, an automated score was calculated to assess if this variant is too frequent to cause the disease. Based on the score and internal cut-off values, a variant classified as benign is not then subjected to further curation. The score for this variant resulted in a classification of benign for this disease.

NM_001113491.2(SEPTIN9):c.99C>T (p.Val33=)

Gene: SEPTIN9 (septin 9; plus strand). Cytogenetic location: 17q25.3.
Variant type: single nucleotide variant.
Coding change: c.99C>T on transcript NM_001113491.2 (MANE Select); coding-DNA position 99, C replaced by T.
Protein change: p.Val33=; no amino-acid change (valine 33 retained).
Molecular consequence: synonymous variant. On other transcripts: 5 prime UTR variant (2).
Genome position (GRCh38, 1-based): chr17:77,402,081, C>T. VCF-style: chr17-77402081-C-T. GRCh37 (hg19) VCF-style: chr17-75398163-C-T.
Other names: c.-394C>T (NM_001113492.2, NM_001113494.1); c.78C>T, p.Val26= (NM_001113493.2); c.42C>T, p.Val14= (NM_001293695.2); c.45C>T, p.Val15= (NM_006640.5).
Identifiers: ClinVar variation 735036 (VCV000735036.14), dbSNP rs546188962, ClinGen allele CA8793118.